The following is an entry in ClinVar:

ClinVar aggregate classification (germline): Uncertain significance. Review status: criteria provided, multiple submitters, no conflicts (2 of 4 stars). 2 submissions from 2 submitters: Uncertain significance (2). Last evaluated 2026-07-02.

Conditions:
LRP5-related disorder. Also called: LRP5-related condition.

Allele frequency attached by ClinVar (database versions not stated): gnomAD exomes 0.00001; ExAC 0.00002.
gnomAD v4.1: 14 of 1,614,054 alleles (0.00087%); highest among the groups gnomAD compares: Middle Eastern, 0.016%; no homozygotes.

Submissions (2):

PreventionGenetics, part of Exact Sciences
Classification: Uncertain significance for LRP5-related condition. Last evaluated: 2026-07-02. Review status: criteria provided, single submitter. Criteria: ACMG Guidelines, 2015. Collection method: clinical testing. Allele origin: germline.
Comment: The LRP5 c.1604C>T variant is predicted to result in the amino acid substitution p.Thr535Met. This variant was reported, in the compound heterozygous state with a second missense variant in the same gene, in an individual with familial exudative vitreoretinopathy (Qin et al. 2005. PubMed ID: 15981244). This variant is reported in 0.0018% of alleles in individuals of European (Non-Finnish) descent in gnomAD. At this time, the clinical significance of this variant is uncertain due to the absence of conclusive functional and genetic evidence.

Labcorp Genetics (formerly Invitae), Labcorp
Classification: Uncertain significance. Last evaluated: 2022-03-12. Review status: criteria provided, single submitter. Criteria: Invitae Variant Classification Sherloc (09022015). Collection method: clinical testing. Allele origin: germline.
Comment: In summary, the available evidence is currently insufficient to determine the role of this variant in disease. Therefore, it has been classified as a Variant of Uncertain Significance. Advanced modeling of protein sequence and biophysical properties (such as structural, functional, and spatial information, amino acid conservation, physicochemical variation, residue mobility, and thermodynamic stability) performed at Invitae indicates that this missense variant is expected to disrupt LRP5 protein function. This missense change has been observed in individual(s) with familial exudative vitreoretinopathy (PMID: 15981244). This variant is present in population databases (rs80358310, gnomAD 0.002%). This sequence change replaces threonine, which is neutral and polar, with methionine, which is neutral and non-polar, at codon 535 of the LRP5 protein (p.Thr535Met).

Literature cited by the submitters: PubMed 15981244 (cited by Labcorp Genetics (formerly Invitae), Labcorp).

NM_002335.4(LRP5):c.1604C>T (p.Thr535Met)

Gene: LRP5 (LDL receptor related protein 5; plus strand). Cytogenetic location: 11q13.2.
Variant type: single nucleotide variant.
Coding change: c.1604C>T on transcript NM_002335.4 (MANE Select); coding-DNA position 1604, C replaced by T.
Protein change: p.Thr535Met; replaces threonine 535 with methionine.
Molecular consequence: missense variant. On other transcripts: 5 prime UTR variant (1).
Genome position (GRCh38, 1-based): chr11:68,403,502, C>T. VCF-style: chr11-68403502-C-T. GRCh37 (hg19) VCF-style: chr11-68170970-C-T.
Other names: c.-334C>T (NM_001291902.2); c.1604C>T (NM_002335.3); short protein forms T535M.
Identifiers: ClinVar variation 2137179 (VCV002137179.5), dbSNP rs80358310, ClinGen allele CA6149386.